The following is an entry in ClinVar:

NM_018082.6(POLR3B):c.2905G>A (p.Val969Met)

Genes: POLR3B (RNA polymerase III subunit B; plus strand), RFX4-AS1 (RFX4 antisense RNA 1; minus strand). Cytogenetic location: 12q23.3.
Variant type: single nucleotide variant.
Coding change: c.2905G>A on transcript NM_018082.6 (MANE Select); coding-DNA position 2905, G replaced by A.
Protein change: p.Val969Met; replaces valine 969 with methionine.
Molecular consequence: missense variant.
Genome position (GRCh38, 1-based): chr12:106,496,839, G>A. VCF-style: chr12-106496839-G-A. GRCh37 (hg19) VCF-style: chr12-106890617-G-A.
Other names: c.2731G>A, p.Val911Met (NM_001160708.2); short protein forms V969M, V911M.
Identifiers: ClinVar variation 306948 (VCV000306948.6), dbSNP rs200477676, ClinGen allele CA6762336.
Genomic context (GRCh38, chr12:106,496,839, plus strand): 5'-GGCAAGGCCGGTGTGCTGGACGGCAGATTCCACTACGGCACTGCGTTTGGAGGCAGTAAA[G>A]TGAAGGATGTGTGTGAGGACCTCGTTCGCCATGGTTATAACTACTTGGGGAAAGACTATG-3'
Protein context (NP_060552.4, residues 959-979): HYGTAFGGSK[Val969Met]KDVCEDLVRH

ClinVar aggregate classification (germline): Uncertain significance. Review status: criteria provided, multiple submitters, no conflicts (2 of 4 stars). 2 submissions from 2 submitters: Uncertain significance (2). Last evaluated 2025-07-31.

Conditions:
Leukodystrophy, hypomyelinating, 8, with or without oligodontia and/or hypogonadotropic hypogonadism. Also called: LEUKODYSTROPHY, HYPOMYELINATING, 8, WITH HYPODONTIA AND HYPOGONADOTROPIC HYPOGONADISM; Hypomyelinating leukodystrophy 8 with or without oligodontia and-or hypogonadotropic hypogonadism; Endosteal sclerosis-cerebellar hypoplasia syndrome. Identifiers: Orphanet 85186, Orphanet 88637, MedGen C3280644, MONDO:0013722, OMIM 614381.

Allele frequency attached by ClinVar (database versions not stated): gnomAD 0.00003; gnomAD exomes 0.00007; ExAC 0.00008; ESP Exome Variant Server 0.00008; TOPMed 0.00004; 1000 Genomes Project 30x 0.00016; 1000 Genomes Project 0.00020.

Submissions (2):

Labcorp Genetics (formerly Invitae), Labcorp
Classification: Uncertain significance. Last evaluated: 2025-07-31. Review status: criteria provided, single submitter. Criteria: Invitae Variant Classification Sherloc (09022015). Collection method: clinical testing. Allele origin: germline.
Comment: This sequence change replaces valine, which is neutral and non-polar, with methionine, which is neutral and non-polar, at codon 969 of the POLR3B protein (p.Val969Met). This variant is present in population databases (rs200477676, gnomAD 0.1%). This variant has not been reported in the literature in individuals affected with POLR3B-related conditions. ClinVar contains an entry for this variant (Variation ID: 306948). Invitae Evidence Modeling of protein sequence and biophysical properties (such as structural, functional, and spatial information, amino acid conservation, physicochemical variation, residue mobility, and thermodynamic stability) indicates that this missense variant is not expected to disrupt POLR3B protein function with a negative predictive value of 80%. In summary, the available evidence is currently insufficient to determine the role of this variant in disease. Therefore, it has been classified as a Variant of Uncertain Significance.

Illumina Laboratory Services, Illumina
Classification: Uncertain significance for Leukodystrophy, hypomyelinating, 8, with or without oligodontia and/or hypogonadotropic hypogonadism. Last evaluated: 2018-01-13. Review status: criteria provided, single submitter. Criteria: ICSL Variant Classification Criteria 13 December 2019. Collection method: clinical testing. Allele origin: germline.